The following is an entry in ClinVar:

NM_006206.6(PDGFRA):c.3158G>C (p.Gly1053Ala)

Gene: PDGFRA (platelet derived growth factor receptor alpha; plus strand). Cytogenetic location: 4q12.
Variant type: single nucleotide variant.
Coding change: c.3158G>C on transcript NM_006206.6 (MANE Select); coding-DNA position 3158, G replaced by C.
Protein change: p.Gly1053Ala; replaces glycine 1053 with alanine.
Molecular consequence: missense variant.
Genome position (GRCh38, 1-based): chr4:54,295,160, G>C. VCF-style: chr4-54295160-G-C. GRCh37 (hg19) VCF-style: chr4-55161327-G-C.
Other names: c.3233G>C, p.Gly1078Ala (NM_001347828.2); c.3158G>C, p.Gly1053Ala (NM_001347829.2); c.3197G>C, p.Gly1066Ala (NM_001347830.2); short protein forms G1066A, G1053A, G1078A.
Identifiers: ClinVar variation 4827555 (VCV004827555.1).

ClinVar aggregate classification (germline): Uncertain significance (1 of 4 stars; one submission).

Conditions:
Hereditary cancer-predisposing syndrome. Also called: Neoplastic Syndromes, Hereditary; Tumor predisposition; Hereditary Cancer Syndrome; Hereditary neoplastic syndrome. Identifiers: Orphanet 140162, MedGen C0027672, MeSH D009386, MONDO:0015356.

gnomAD v4.1: 2 of 1,614,076 alleles (0.00012%); highest among the groups gnomAD compares: Non-Finnish European, 0.000085%; no homozygotes.

Submission:

Ambry Genetics
Classification: Uncertain significance for Hereditary cancer-predisposing syndrome. Last evaluated: 2026-02-25. Review status: criteria provided, single submitter. Criteria: Ambry Variant Classification Scheme 2023. Collection method: clinical testing. Allele origin: germline.
Comment: The p.G1053A variant (also known as c.3158G>C), located in coding exon 22 of the PDGFRA gene, results from a G to C substitution at nucleotide position 3158. The glycine at codon 1053 is replaced by alanine, an amino acid with similar properties. This amino acid position is conserved. In addition, the in silico prediction for this alteration is inconclusive. Based on the available evidence, the clinical significance of this variant remains unclear.